The following is an entry in ClinVar:

ClinVar aggregate classification (germline): Uncertain significance (1 of 4 stars; one submission).

Submission:

Women's Health and Genetics/Laboratory Corporation of America, LabCorp
Classification: Uncertain significance. Last evaluated: 2022-09-26. Review status: criteria provided, single submitter. Criteria: LabCorp Variant Classification Summary - May 2015. Collection method: clinical testing. Allele origin: germline.
Comment: Variant summary: GJB2 c.458T>C (p.Val153Ala) results in a non-conservative amino acid change located in the Connexin, N-Terminal (IPR 013092) of the encoded protein sequence. Three of five in-silico tools predict a damaging effect of the variant on protein function. The variant was absent in 251112 control chromosomes. The available data on variant occurrences in the general population are insufficient to allow any conclusion about variant significance. c.458T>C has been reported in the literature in an individual affected with Non-Syndromic Hearing Loss (Yuan_2009 and Dai_2009 etc.). These reports do not provide unequivocal conclusions about association of the variant with Non-Syndromic Hearing Loss. To our knowledge, no experimental evidence demonstrating an impact on protein function has been reported. No clinical diagnostic laboratories have submitted clinical-significance assessments for this variant to ClinVar after 2014. Based on the evidence outlined above, the variant was classified as uncertain significance.

Literature cited by the submitters: PubMed 19366456; PubMed 19744334; PubMed 25388846.

NM_004004.6(GJB2):c.458T>C (p.Val153Ala)

Gene: GJB2 (gap junction protein beta 2; minus strand). Cytogenetic location: 13q12.11.
Variant type: single nucleotide variant.
Coding change: c.458T>C on transcript NM_004004.6 (MANE Select); coding-DNA position 458, T replaced by C.
Protein change: p.Val153Ala; replaces valine 153 with alanine.
Molecular consequence: missense variant.
Genome position (GRCh38, 1-based): chr13:20,189,124, A>G on the plus strand (T>C on the coding strand, the complement: GJB2 is on the minus strand). VCF-style: chr13-20189124-A-G. GRCh37 (hg19) VCF-style: chr13-20763263-A-G.
Other names: short protein forms V153A.
Identifiers: ClinVar variation 1722390 (VCV001722390.1), dbSNP rs2500250155, ClinGen allele CA387461103.